The following is an entry in ClinVar:

NC_000014.8:g.(?_68145038)_(68282680_?)del

Genes: RDH11 (retinol dehydrogenase 11; minus strand), RDH12 (retinol dehydrogenase 12; plus strand), ZFYVE26 (zinc finger FYVE-type containing 26; minus strand). Cytogenetic location: 14q24.1.
Variant type: Deletion.
Identifiers: ClinVar variation 3243951 (VCV003243951.1).

ClinVar aggregate classification (germline): Pathogenic (1 of 4 stars; one submission).

Conditions:
Spastic paraplegia. Identifiers: MedGen C0037772, HP:0001258.

Submission:

Labcorp Genetics (formerly Invitae), Labcorp
Classification: Pathogenic for Spastic paraplegia. Last evaluated: 2022-11-23. Review status: criteria provided, single submitter. Criteria: Invitae Variant Classification Sherloc (09022015). Collection method: clinical testing. Allele origin: unknown.
Comment: For these reasons, this variant has been classified as Pathogenic. This variant has not been reported in the literature in individuals affected with ZFYVE26-related conditions. A gross deletion of the genomic region encompassing the full coding sequence of the ZFYVE26 gene has been identified. Loss-of-function variants in ZFYVE26 are known to be pathogenic (PMID: 18394578, 19805727). The boundaries of this event are unknown as they extend beyond the assayed region for this gene and therefore may encompass additional genes.

Literature cited by the submitters: PubMed 18394578; PubMed 19805727.